The following is an entry in ClinVar:

ClinVar aggregate classification (germline): Uncertain significance (1 of 4 stars; one submission).

Submission:

Labcorp Genetics (formerly Invitae), Labcorp
Classification: Uncertain significance. Last evaluated: 2025-12-15. Review status: criteria provided, single submitter. Criteria: Invitae Variant Classification Sherloc (09022015). Collection method: clinical testing. Allele origin: germline.
Comment: This sequence change replaces methionine, which is neutral and non-polar, with threonine, which is neutral and polar, at codon 191 of the NEK2 protein (p.Met191Thr). This variant is not present in population databases (gnomAD no frequency). This variant has not been reported in the literature in individuals affected with NEK2-related conditions. An algorithm developed to predict the effect of missense changes on protein structure and function (PolyPhen-2) suggests that this variant is likely to be tolerated. In summary, the available evidence is currently insufficient to determine the role of this variant in disease. Therefore, it has been classified as a Variant of Uncertain Significance.

NM_002497.4(NEK2):c.572T>C (p.Met191Thr)

Gene: NEK2 (NIMA related kinase 2; minus strand). Cytogenetic location: 1q32.3.
Variant type: single nucleotide variant.
Coding change: c.572T>C on transcript NM_002497.4 (MANE Select); coding-DNA position 572, T replaced by C.
Protein change: p.Met191Thr; replaces methionine 191 with threonine.
Molecular consequence: missense variant.
Genome position (GRCh38, 1-based): chr1:211,671,268, A>G on the plus strand (T>C on the coding strand, the complement: NEK2 is on the minus strand). VCF-style: chr1-211671268-A-G. GRCh37 (hg19) VCF-style: chr1-211844610-A-G.
Other names: c.572T>C, p.Met191Thr (NM_001204182.2, NM_001204183.2); short protein forms M191T.
Identifiers: ClinVar variation 4733261 (VCV004733261.1).